The following is an entry in ClinVar:

NM_130837.3(OPA1):c.556+178G>T

Gene: OPA1 (OPA1 mitochondrial dynamin like GTPase; plus strand). Cytogenetic location: 3q29.
Variant type: single nucleotide variant.
Coding change: c.556+178G>T on transcript NM_130837.3 (MANE Select); 178 bases into the intron after coding-DNA position 556, G replaced by T.
Molecular consequence: intron variant.
Genome position (GRCh38, 1-based): chr3:193,617,463, G>T. VCF-style: chr3-193617463-G-T. GRCh37 (hg19) VCF-style: chr3-193335252-G-T.
Other names: c.184+178G>T (NM_001354664.2); c.77-1406G>T (NM_001354663.2); c.556+178G>T (NM_130834.3, NM_130836.3, NM_015560.3); c.449-321G>T (NM_130835.3, NM_130832.3); c.449-1406G>T (NM_130833.3, NM_130831.3).
Identifiers: ClinVar variation 667770 (VCV000667770.1), dbSNP rs10937593, ClinGen allele CA15298127.

ClinVar aggregate classification (germline): Benign (1 of 4 stars; one submission).

Allele frequency attached by ClinVar (database versions not stated): 1000 Genomes Project 0.46785; 1000 Genomes Project 30x 0.46893; TOPMed 0.49100; gnomAD 0.49601 and 0.50218.
gnomAD v4.1: 75,397 of 151,972 alleles (50%); highest among the groups gnomAD compares: African/African-American, 57%; 19,082 homozygotes.

Submission:

GeneDx
Classification: Benign. Last evaluated: 2018-06-14. Review status: criteria provided, single submitter. Criteria: GeneDx Variant Classification (06012015). Collection method: clinical testing. Allele origin: germline. Affected: yes.
Comment: This variant is considered likely benign or benign based on one or more of the following criteria: it is a conservative change, it occurs at a poorly conserved position in the protein, it is predicted to be benign by multiple in silico algorithms, and/or has population frequency not consistent with disease.